The following is an entry in ClinVar:

ClinVar aggregate classification (germline): Conflicting classifications of pathogenicity. Review status: criteria provided, conflicting classifications (1 of 4 stars). 7 submissions from 7 submitters: Uncertain significance (5); Likely benign (2). Last evaluated 2026-01-13.

Conditions:
Hereditary cancer-predisposing syndrome. Also called: Hereditary neoplastic syndrome; Neoplastic Syndromes, Hereditary; Tumor predisposition; Hereditary Cancer Syndrome. Identifiers: Orphanet 140162, MedGen C0027672, MeSH D009386, MONDO:0015356.
Familial cancer of breast. Also called: BREAST CANCER, FAMILIAL; Hereditary breast cancer; hereditary breast carcinoma. Identifiers: Orphanet 227535, MedGen C0346153, MONDO:0016419, OMIM 114480. Disease mechanism: loss of function.

Allele frequency attached by ClinVar (database versions not stated): gnomAD exomes below 0.00001 and 0.00002; ExAC 0.00002; gnomAD 0.00006 and 0.00007; TOPMed 0.00007; ESP Exome Variant Server 0.00008.
gnomAD v4.1: 14 of 1,541,382 alleles (0.00091%); highest among the groups gnomAD compares: African/African-American, 0.017%; no homozygotes.

Submissions (7):

Labcorp Genetics (formerly Invitae), Labcorp
Classification: Uncertain significance for Familial cancer of breast. Last evaluated: 2026-01-13. Review status: criteria provided, single submitter. Criteria: Invitae Variant Classification Sherloc (09022015). Collection method: clinical testing. Allele origin: germline.
Comment: This sequence change replaces cysteine, which is neutral and slightly polar, with glycine, which is neutral and non-polar, at codon 362 of the BARD1 protein (p.Cys362Gly). This variant is present in population databases (rs141351035, gnomAD 0.03%). This missense change has been observed in individual(s) with retinoblastoma (PMID: 36187937). ClinVar contains an entry for this variant (Variation ID: 184930). An algorithm developed to predict the effect of missense changes on protein structure and function (PolyPhen-2) suggests that this variant is likely to be tolerated. RNA analysis performed to evaluate the impact of this missense change on mRNA splicing indicates it does not significantly alter splicing (internal data). In summary, the available evidence is currently insufficient to determine the role of this variant in disease. Therefore, it has been classified as a Variant of Uncertain Significance.

Color Diagnostics, LLC DBA Color Health
Classification: Likely benign for Hereditary cancer-predisposing syndrome. Last evaluated: 2025-08-25. Review status: criteria provided, single submitter. Criteria: ACMG Guidelines, 2015. Collection method: clinical testing. Allele origin: germline.

Ambry Genetics
Classification: Uncertain significance for Hereditary cancer-predisposing syndrome. Last evaluated: 2024-12-15. Review status: criteria provided, single submitter. Criteria: Ambry Variant Classification Scheme 2023. Collection method: clinical testing. Allele origin: germline.
Comment: The p.C362G variant (also known as c.1084T>G), located in coding exon 4 of the BARD1 gene, results from a T to G substitution at nucleotide position 1084. The cysteine at codon 362 is replaced by glycine, an amino acid with highly dissimilar properties. This variant has been reported in 1/1120 pediatric cancer patients, who underwent whole genome sequencing and/or whole exome sequencing; this patient was diagnosed with retinoblastoma (Zhang J et al. N. Engl. J. Med., 2015 Dec;373:2336-2346). This amino acid position is not well conserved in available vertebrate species. In addition, this alteration is predicted to be tolerated by in silico analysis. Since supporting evidence is limited at this time, the clinical significance of this alteration remains unclear.

GeneDx
Classification: Uncertain significance. Last evaluated: 2024-12-12. Review status: criteria provided, single submitter. Criteria: GeneDx Variant Classification Process June 2021. Collection method: clinical testing. Allele origin: germline. Affected: yes.
Comment: In silico analysis supports that this missense variant has a deleterious effect on protein structure/function; This variant is associated with the following publications: (PMID: 26580448, 36187937)

Myriad Genetics, Inc.
Classification: Likely benign for Familial cancer of breast. Last evaluated: 2024-11-01. Review status: criteria provided, single submitter. Criteria: Myriad Autosomal Dominant, Autosomal Recessive and X-Linked Classification Criteria (2023). Collection method: clinical testing. Allele origin: unknown.
Comment: This variant is considered likely benign. This variant is strongly associated with less severe personal and family histories of cancer, typical for individuals without pathogenic variants in this gene [PMID: 25085752].

St. Jude Molecular Pathology, St. Jude Children's Research Hospital
Classification: Uncertain significance for Familial cancer of breast. Last evaluated: 2024-05-28. Review status: criteria provided, single submitter. Criteria: St. Jude Assertion Criteria 2020. Collection method: clinical testing. Allele origin: germline.

Quest Diagnostics Nichols Institute San Juan Capistrano
Classification: Uncertain significance. Last evaluated: 2023-08-30. Review status: criteria provided, single submitter. Criteria: Quest Diagnostics criteria. Collection method: clinical testing. Allele origin: unknown.
Comment: In the published literature, this variant has been reported in a an affected individual with retinoblastoma (PMID: 26580448 (2015)). The frequency of this variant in the general population, 0.00028 (7/24962 chromosomes in African/African American subpopulation (Genome Aggregation Database)), is higher than would generally be expected for pathogenic variants in this gene. Analysis of this variant using bioinformatics tools for the prediction of the effect of amino acid changes on protein structure and function yielded predictions that this variant is benign. Based on the available information, we are unable to determine the clinical significance of this variant.

Literature cited by the submitters: PubMed 36187937 (cited by Labcorp Genetics (formerly Invitae), Labcorp); PubMed 26580448 (cited by Ambry Genetics and Quest Diagnostics Nichols Institute San Juan Capistrano); PubMed 25085752 (cited by Myriad Genetics, Inc.).

NM_000465.4(BARD1):c.1084T>G (p.Cys362Gly)

Gene: BARD1 (BRCA1 associated RING domain 1; minus strand). Cytogenetic location: 2q35.
Variant type: single nucleotide variant.
Coding change: c.1084T>G on transcript NM_000465.4 (MANE Select); coding-DNA position 1084, T replaced by G.
Protein change: p.Cys362Gly; replaces cysteine 362 with glycine.
Molecular consequence: missense variant. On other transcripts: non-coding transcript variant (2), intron variant (3).
Genome position (GRCh38, 1-based): chr2:214,780,790, A>C on the plus strand (T>G on the coding strand, the complement: BARD1 is on the minus strand). VCF-style: chr2-214780790-A-C. GRCh37 (hg19) VCF-style: chr2-215645514-A-C.
Other names: c.1027T>G, p.Cys343Gly (NM_001282543.2); c.159-28235T>G (NM_001282548.2); c.215+16271T>G (NM_001282545.2); c.364+11507T>G (NM_001282549.2); short protein forms C362G, C343G.
Identifiers: ClinVar variation 184930 (VCV000184930.27), dbSNP rs141351035, ClinGen allele CA190505.
Genomic context (GRCh38, chr2:214,780,790, plus strand): 5'-TACTGTTTTTCCTCCCTGATGTACCACCAACTTTACGTTTGCATGAAGGTGGTGAAGAAC[A>C]TTCAGGCAATGGTATATTTTCTGAGGGCACCGTTTGCTTAACAAAATCTCCACTGGTGCT-3'
Protein context (NP_000456.2, residues 352-372): VPSENIPLPE[Cys362Gly]SSPPSCKRKV